The following is an entry in ClinVar:

ClinVar aggregate classification (germline): Uncertain significance (1 of 4 stars; one submission).

Conditions:
Dilated cardiomyopathy 1JJ (CMD1JJ). Identifiers: Orphanet 154, MedGen C3808935, MONDO:0014095, OMIM 615235.

Allele frequency attached by ClinVar (database versions not stated): gnomAD exomes below 0.00001.
gnomAD v4.1: 1 of 1,613,698 alleles (0.000062%); highest among the groups gnomAD compares: Admixed American, 0.0017%; no homozygotes.

Submission:

Labcorp Genetics (formerly Invitae), Labcorp
Classification: Uncertain significance for Dilated cardiomyopathy 1JJ. Last evaluated: 2023-02-08. Review status: criteria provided, single submitter. Criteria: Invitae Variant Classification Sherloc (09022015). Collection method: clinical testing. Allele origin: germline.
Comment: This sequence change replaces asparagine, which is neutral and polar, with serine, which is neutral and polar, at codon 1613 of the LAMA4 protein (p.Asn1613Ser). This variant is present in population databases (no rsID available, gnomAD 0.003%). This variant has not been reported in the literature in individuals affected with LAMA4-related conditions. Algorithms developed to predict the effect of missense changes on protein structure and function output the following: SIFT: "Deleterious"; PolyPhen-2: "Benign"; Align-GVGD: "Class C0". The serine amino acid residue is found in multiple mammalian species, which suggests that this missense change does not adversely affect protein function. In summary, the available evidence is currently insufficient to determine the role of this variant in disease. Therefore, it has been classified as a Variant of Uncertain Significance.

NM_001105206.3(LAMA4):c.4859A>G (p.Asn1620Ser)

Gene: LAMA4 (laminin subunit alpha 4; minus strand). Cytogenetic location: 6q21.
Variant type: single nucleotide variant.
Coding change: c.4859A>G on transcript NM_001105206.3 (MANE Select); coding-DNA position 4859, A replaced by G.
Protein change: p.Asn1620Ser; replaces asparagine 1620 with serine.
Molecular consequence: missense variant.
Genome position (GRCh38, 1-based): chr6:112,117,861, T>C on the plus strand (A>G on the coding strand, the complement: LAMA4 is on the minus strand). VCF-style: chr6-112117861-T-C. GRCh37 (hg19) VCF-style: chr6-112439064-T-C.
Other names: c.4838A>G, p.Asn1613Ser (NM_002290.5, NM_001105207.3); short protein forms N1620S, N1613S.
Identifiers: ClinVar variation 2981116 (VCV002981116.3), dbSNP rs1554324514, ClinGen allele CA365366776.